The following is an entry in ClinVar:

ClinVar aggregate classification (germline): Uncertain significance (1 of 4 stars; one submission).

Conditions:
Long QT syndrome (LQTS). Identifiers: MedGen C0023976, MeSH D008133, MONDO:0002442. Disease mechanism: loss of function. Inheritance: Various modes of inheritance.

Submission:

Labcorp Genetics (formerly Invitae), Labcorp
Classification: Uncertain significance for Long QT syndrome. Last evaluated: 2024-04-05. Review status: criteria provided, single submitter. Criteria: Invitae Variant Classification Sherloc (09022015). Collection method: clinical testing. Allele origin: germline.
Comment: This sequence change replaces tyrosine, which is neutral and polar, with cysteine, which is neutral and slightly polar, at codon 611 of the KCNH2 protein (p.Tyr611Cys). This variant is not present in population databases (gnomAD no frequency). This variant has not been reported in the literature in individuals affected with KCNH2-related conditions. ClinVar contains an entry for this variant (Variation ID: 1019935). An algorithm developed to predict the effect of missense changes on protein structure and function (PolyPhen-2) suggests that this variant is likely to be disruptive. Experimental studies are conflicting or provide insufficient evidence to determine the effect of this variant on KCNH2 function (PMID: 12407082). In summary, the available evidence is currently insufficient to determine the role of this variant in disease. Therefore, it has been classified as a Variant of Uncertain Significance.

Literature cited by the submitters: PubMed 12407082.

NM_000238.4(KCNH2):c.1832A>G (p.Tyr611Cys)

Gene: KCNH2 (potassium voltage-gated channel subfamily H member 2; minus strand). Cytogenetic location: 7q36.1.
Variant type: single nucleotide variant.
Coding change: c.1832A>G on transcript NM_000238.4 (MANE Select); coding-DNA position 1832, A replaced by G.
Protein change: p.Tyr611Cys; replaces tyrosine 611 with cysteine.
Molecular consequence: missense variant.
Genome position (GRCh38, 1-based): chr7:150,951,561, T>C on the plus strand (A>G on the coding strand, the complement: KCNH2 is on the minus strand). VCF-style: chr7-150951561-T-C. GRCh37 (hg19) VCF-style: chr7-150648649-T-C.
Other names: c.812A>G, p.Tyr271Cys (NM_001204798.2, NM_172057.3); c.1544A>G, p.Tyr515Cys (NM_001406753.1, NM_001406756.1); c.1655A>G, p.Tyr552Cys (NM_001406755.1); c.1532A>G, p.Tyr511Cys (NM_001406757.1); c.1832A>G, p.Tyr611Cys (NM_172056.3); short protein forms Y271C, Y611C, Y511C, Y552C, Y515C.
Identifiers: ClinVar variation 1019935 (VCV001019935.9), dbSNP rs1801163462, ClinGen allele CA369857987.